The following is an entry in ClinVar:

NM_019888.3(MC3R):c.846C>T (p.Asn282=)

Gene: MC3R (melanocortin 3 receptor; plus strand). Cytogenetic location: 20q13.2.
Variant type: single nucleotide variant.
Coding change: c.846C>T on transcript NM_019888.3 (MANE Select); coding-DNA position 846, C replaced by T.
Protein change: p.Asn282=; no amino-acid change (asparagine 282 retained).
Molecular consequence: synonymous variant.
Genome position (GRCh38, 1-based): chr20:56,249,689, C>T. VCF-style: chr20-56249689-C-T. GRCh37 (hg19) VCF-style: chr20-54824745-C-T.
Identifiers: ClinVar variation 3355720 (VCV003355720.1).
Genomic context (GRCh38, chr20:56,249,689, plus strand): 5'-GGTCCTCATCATCACCTGCCCCACCAACCCCTACTGCATCTGCTACACTGCCCACTTCAA[C>T]ACCTACCTGGTCCTCATCATGTGCAACTCCGTCATCGACCCACTCATCTACGCTTTCCGG-3'
Protein context (NP_063941.3, residues 272-292): PYCICYTAHF[Asn282=]TYLVLIMCNS

ClinVar aggregate classification (germline): Likely benign (0 of 4 stars; one submission).

Conditions:
MC3R-related disorder. Also called: MC3R-related condition.

Submission:

PreventionGenetics, part of Exact Sciences
Classification: Likely benign for MC3R-related condition. Last evaluated: 2021-09-15. Review status: no assertion criteria provided. Collection method: clinical testing. Allele origin: germline.
Comment: This variant is classified as likely benign based on ACMG/AMP sequence variant interpretation guidelines (Richards et al. 2015 PMID: 25741868, with internal and published modifications).